The following is an entry in ClinVar:

ClinVar aggregate classification (germline): Uncertain significance (1 of 4 stars; one submission).

gnomAD v4.1: 7 of 1,575,392 alleles (0.00044%); highest among the groups gnomAD compares: Non-Finnish European, 0.0006%; no homozygotes.

Submission:

Ambry Genetics
Classification: Uncertain significance. Last evaluated: 2024-12-21. Review status: criteria provided, single submitter. Criteria: Ambry Variant Classification Scheme 2023. Collection method: clinical testing. Allele origin: germline.
Comment: The p.G50S variant (also known as c.148G>A), located in coding exon 1 of the ATRIP gene, results from a G to A substitution at nucleotide position 148. The glycine at codon 50 is replaced by serine, an amino acid with similar properties. This amino acid position is conserved. In addition, this alteration is predicted to be tolerated by in silico analysis. Based on the available evidence, the clinical significance of this variant remains unclear.

NM_130384.3(ATRIP):c.148G>A (p.Gly50Ser)

Genes: ATRIP (ATR interacting protein; plus strand), ATRIP-TREX1 (ATRIP-TREX1 readthrough; plus strand), LOC129936703 (ATAC-STARR-seq lymphoblastoid silent region 14331; plus strand). Cytogenetic location: 3p21.31.
Variant type: single nucleotide variant.
Coding change: c.148G>A on transcript NM_130384.3 (MANE Select); coding-DNA position 148, G replaced by A.
Protein change: p.Gly50Ser; replaces glycine 50 with serine.
Molecular consequence: missense variant. On other transcripts: non-coding transcript variant (1), intron variant (1).
Genome position (GRCh38, 1-based): chr3:48,446,993, G>A. VCF-style: chr3-48446993-G-A. GRCh37 (hg19) VCF-style: chr3-48488397-G-A.
Other names: c.148G>A, p.Gly50Ser (NM_032166.4); c.-218+194G>A (NM_001271022.2); short protein forms G50S.
Identifiers: ClinVar variation 3809246 (VCV003809246.1).